The following is an entry in ClinVar:

NM_004369.4(COL6A3):c.3626C>T (p.Thr1209Ile)

Gene: COL6A3 (collagen type VI alpha 3 chain; minus strand). Cytogenetic location: 2q37.3.
Variant type: single nucleotide variant.
Coding change: c.3626C>T on transcript NM_004369.4 (MANE Select); coding-DNA position 3626, C replaced by T.
Protein change: p.Thr1209Ile; replaces threonine 1209 with isoleucine.
Molecular consequence: missense variant.
Genome position (GRCh38, 1-based): chr2:237,374,465, G>A on the plus strand (C>T on the coding strand, the complement: COL6A3 is on the minus strand). VCF-style: chr2-237374465-G-A. GRCh37 (hg19) VCF-style: chr2-238283108-G-A.
Other names: c.2405C>T, p.Thr802Ile (NM_057164.5); c.3008C>T, p.Thr1003Ile (NM_057165.5, NM_057167.4); c.1805C>T, p.Thr602Ile (NM_057166.5); short protein forms T1003I, T1209I, T602I, T802I.
Identifiers: ClinVar variation 1307118 (VCV001307118.2), dbSNP rs780311080, ClinGen allele CA2189133.

ClinVar aggregate classification (germline): Uncertain significance (1 of 4 stars; one submission).

Allele frequency attached by ClinVar (database versions not stated): gnomAD exomes below 0.00001; ExAC 0.00001.
gnomAD v4.1: 1 of 1,613,984 alleles (0.000062%); highest among the groups gnomAD compares: East Asian, 0.0022%; no homozygotes.

Submission:

GeneDx
Classification: Uncertain significance. Last evaluated: 2019-03-05. Review status: criteria provided, single submitter. Criteria: GeneDx Variant Classification Process June 2021. Collection method: clinical testing. Allele origin: germline. Affected: yes.
Comment: Not observed at a significant frequency in large population cohorts (Lek et al., 2016); In silico analysis, which includes protein predictors and evolutionary conservation, supports that this variant does not alter protein structure/function; Has not been previously published as pathogenic or benign to our knowledge